The following is an entry in ClinVar:

NM_005343.4(HRAS):c.451-168T>G

Genes: HRAS (HRas proto-oncogene, GTPase; minus strand), LRRC56 (leucine rich repeat containing 56; plus strand). Cytogenetic location: 11p15.5.
Variant type: single nucleotide variant.
Coding change: c.451-168T>G on transcript NM_005343.4 (MANE Select); 168 bases into the intron before coding-DNA position 451, T replaced by G.
Molecular consequence: intron variant.
Genome position (GRCh38, 1-based): chr11:532,923, A>C on the plus strand (T>G on the coding strand, the complement: HRAS is on the minus strand). VCF-style: chr11-532923-A-C. GRCh37 (hg19) VCF-style: chr11-532923-A-C.
Other names: c.451-168T>G (NM_001130442.3); c.214-168T>G (NM_001318054.2); c.*20-168T>G (NM_176795.5).
Identifiers: ClinVar variation 561388 (VCV000561388.1), dbSNP rs35601764, ClinGen allele CA216882167.

ClinVar aggregate classification (germline): Benign (1 of 4 stars; one submission).

Allele frequency attached by ClinVar (database versions not stated): 1000 Genomes Project 0.05611; 1000 Genomes Project 30x 0.06106; gnomAD 0.09562 and 0.09769; TOPMed 0.10084.
gnomAD v4.1: 14,563 of 152,244 alleles (9.6%); highest among the groups gnomAD compares: Admixed American, 19%; 962 homozygotes.

Submission:

GeneDx
Classification: Benign. Last evaluated: 2018-06-19. Review status: criteria provided, single submitter. Criteria: GeneDx Variant Classification (06012015). Collection method: clinical testing. Allele origin: germline. Affected: yes.
Comment: This variant is considered likely benign or benign based on one or more of the following criteria: it is a conservative change, it occurs at a poorly conserved position in the protein, it is predicted to be benign by multiple in silico algorithms, and/or has population frequency not consistent with disease.